The following is an entry in ClinVar:

NM_014806.5(RUSC2):c.655G>A (p.Asp219Asn)

Gene: RUSC2 (RUN and SH3 domain containing 2; plus strand). Cytogenetic location: 9p13.3.
Variant type: single nucleotide variant.
Coding change: c.655G>A on transcript NM_014806.5 (MANE Select); coding-DNA position 655, G replaced by A.
Protein change: p.Asp219Asn; replaces aspartic acid 219 with asparagine.
Molecular consequence: missense variant. On other transcripts: non-coding transcript variant (1), intron variant (1).
Genome position (GRCh38, 1-based): chr9:35,547,176, G>A. VCF-style: chr9-35547176-G-A. GRCh37 (hg19) VCF-style: chr9-35547173-G-A.
Other names: c.655G>A, p.Asp219Asn (NM_001135999.2); c.-620-7884G>A (NM_001330740.2); short protein forms D219N.
Identifiers: ClinVar variation 1348762 (VCV001348762.5), dbSNP rs749394429, ClinGen allele CA5043510.
Genomic context (GRCh38, chr9:35,547,176, plus strand): 5'-ACTATGGAGCTGGATGAGTGTGGGGGACCTGGTGGGAGTGGCAGTGGGGGTGGAGCCAGC[G>A]ATACCTCTGGCTTTTCCTTTGACCAGGAATGGAAGCTCAGTTCAGATGAATCCCCAAGGA-3'
Protein context (NP_055621.2, residues 209-229): GGSGSGGGAS[Asp219Asn]TSGFSFDQEW

ClinVar aggregate classification (germline): Uncertain significance (1 of 4 stars; one submission).

Allele frequency attached by ClinVar (database versions not stated): gnomAD 0.00001; ExAC 0.00002; TOPMed 0.00002; gnomAD exomes 0.00003.
gnomAD v4.1: 17 of 1,614,000 alleles (0.0011%); highest among the groups gnomAD compares: East Asian, 0.0045%; no homozygotes.

Submission:

Labcorp Genetics (formerly Invitae), Labcorp
Classification: Uncertain significance. Last evaluated: 2025-09-05. Review status: criteria provided, single submitter. Criteria: Invitae Variant Classification Sherloc (09022015). Collection method: clinical testing. Allele origin: germline.
Comment: This sequence change replaces aspartic acid, which is acidic and polar, with asparagine, which is neutral and polar, at codon 219 of the RUSC2 protein (p.Asp219Asn). This variant is present in population databases (rs749394429, gnomAD 0.02%). This variant has not been reported in the literature in individuals affected with RUSC2-related conditions. ClinVar contains an entry for this variant (Variation ID: 1348762). An algorithm developed to predict the effect of missense changes on protein structure and function (PolyPhen-2) suggests that this variant is likely to be disruptive. In summary, the available evidence is currently insufficient to determine the role of this variant in disease. Therefore, it has been classified as a Variant of Uncertain Significance.